The following is an entry in ClinVar:

NM_018943.3(TUBA8):c.856C>T (p.Leu286Phe)

Gene: TUBA8 (tubulin alpha 8; plus strand). Cytogenetic location: 22q11.21.
Variant type: single nucleotide variant.
Coding change: c.856C>T on transcript NM_018943.3 (MANE Select); coding-DNA position 856, C replaced by T.
Protein change: p.Leu286Phe; replaces leucine 286 with phenylalanine.
Molecular consequence: missense variant.
Genome position (GRCh38, 1-based): chr22:18,126,834, C>T. VCF-style: chr22-18126834-C-T. GRCh37 (hg19) VCF-style: chr22-18609601-C-T.
Other names: c.658C>T, p.Leu220Phe (NM_001193414.2); short protein forms L220F, L286F.
Identifiers: ClinVar variation 3645759 (VCV003645759.2).

ClinVar aggregate classification (germline): Uncertain significance (1 of 4 stars; one submission).

Submission:

Labcorp Genetics (formerly Invitae), Labcorp
Classification: Uncertain significance. Last evaluated: 2024-03-13. Review status: criteria provided, single submitter. Criteria: Invitae Variant Classification Sherloc (09022015). Collection method: clinical testing. Allele origin: germline.
Comment: This sequence change replaces leucine, which is neutral and non-polar, with phenylalanine, which is neutral and non-polar, at codon 286 of the TUBA8 protein (p.Leu286Phe). This variant is not present in population databases (gnomAD no frequency). This variant has not been reported in the literature in individuals affected with TUBA8-related conditions. Advanced modeling of protein sequence and biophysical properties (such as structural, functional, and spatial information, amino acid conservation, physicochemical variation, residue mobility, and thermodynamic stability) performed at Invitae indicates that this missense variant is not expected to disrupt TUBA8 protein function with a negative predictive value of 80%. In summary, the available evidence is currently insufficient to determine the role of this variant in disease. Therefore, it has been classified as a Variant of Uncertain Significance.